The following is an entry in ClinVar:

NM_130837.3(OPA1):c.1377+6T>A

Gene: OPA1 (OPA1 mitochondrial dynamin like GTPase; plus strand). Cytogenetic location: 3q29.
Variant type: single nucleotide variant.
Coding change: c.1377+6T>A on transcript NM_130837.3 (MANE Select); 6 bases into the intron after coding-DNA position 1377, T replaced by A.
Molecular consequence: intron variant.
Genome position (GRCh38, 1-based): chr3:193,643,450, T>A. VCF-style: chr3-193643450-T-A. GRCh37 (hg19) VCF-style: chr3-193361239-T-A.
Other names: c.840+6T>A (NM_001354664.2); c.843+6T>A (NM_001354663.2); c.1266+6T>A (NM_130834.3); c.1323+6T>A (NM_130836.3); c.1212+6T>A (NM_015560.3); c.1269+6T>A (NM_130835.3); c.1158+6T>A (NM_130832.3); c.1215+6T>A (NM_130833.3); and 1 more.
Identifiers: ClinVar variation 1804142 (VCV001804142.4), dbSNP rs2474872459, ClinGen allele CA2580070571.
Genomic context (GRCh38, chr3:193,643,450, plus strand): 5'-AAAAGGCCCTGGACTACAGAGGATGGTGCTTGTTGACTTACCAGGTGTGATTAATGTAAG[T>A]ATATACAAAACATGTATTTTATTTTATTCTTATTGTGTGAAGCATTTATAATGACATTTA-3'

ClinVar aggregate classification (germline): Uncertain significance (1 of 4 stars; one submission).

Conditions:
Autosomal dominant optic atrophy classic form (OPA1). Also called: Optic Atrophy Type 1; OPTIC ATROPHY, JUVENILE; KJER-TYPE OPTIC ATROPHY. Identifiers: Orphanet 98673, MedGen C0338508, MONDO:0008134, OMIM 165500.

Submission:

Institute of Human Genetics, University of Leipzig Medical Center
Classification: Uncertain significance for Autosomal dominant optic atrophy classic form. Last evaluated: 2023-06-29. Review status: criteria provided, single submitter. Criteria: ACMG Guidelines, 2015. Collection method: clinical testing. Allele origin: unknown. Inheritance: Autosomal dominant inheritance. Affected: yes.
Comment: Criteria applied: PS4_SUP,PM2_SUP,PP3,PP4